The following is an entry in ClinVar:

ClinVar aggregate classification (germline): Uncertain significance (1 of 4 stars; one submission).

Conditions:
Cardiovascular phenotype. Identifiers: MedGen CN230736.

Submission:

Ambry Genetics
Classification: Uncertain significance for Cardiovascular phenotype. Last evaluated: 2022-05-24. Review status: criteria provided, single submitter. Criteria: Ambry Variant Classification Scheme 2023. Collection method: clinical testing. Allele origin: germline.
Comment: The p.P1828R variant (also known as c.5483C>G), located in coding exon 33 of the FLNC gene, results from a C to G substitution at nucleotide position 5483. The proline at codon 1828 is replaced by arginine, an amino acid with dissimilar properties. This amino acid position is conserved. In addition, this alteration is predicted to be deleterious by in silico analysis. Since supporting evidence is limited at this time, the clinical significance of this alteration remains unclear.

NM_001458.5(FLNC):c.5483C>G (p.Pro1828Arg)

Genes: FLNC (filamin C; plus strand), FLNC-AS1 (FLNC antisense RNA 1; minus strand). Cytogenetic location: 7q32.1.
Variant type: single nucleotide variant.
Coding change: c.5483C>G on transcript NM_001458.5 (MANE Select); coding-DNA position 5483, C replaced by G.
Protein change: p.Pro1828Arg; replaces proline 1828 with arginine.
Molecular consequence: missense variant.
Genome position (GRCh38, 1-based): chr7:128,850,887, C>G. VCF-style: chr7-128850887-C-G. GRCh37 (hg19) VCF-style: chr7-128490941-C-G.
Other names: c.5384C>G, p.Pro1795Arg (NM_001127487.2); short protein forms P1795R, P1828R.
Identifiers: ClinVar variation 1747816 (VCV001747816.2), dbSNP rs2128938246, ClinGen allele CA369206841.
Genomic context (GRCh38, chr7:128,850,887, plus strand): 5'-AGACGGCACGGCCCAACATCACCGACAACAAGGACGGCACCATCACGGTGAGGTATGCAC[C>G]CACTGAGAAAGGCCTGCACCAGATGGGGATCAAGTATGACGGCAACCACATCCCTGGTGA-3'
Protein context (NP_001449.3, residues 1818-1838): KDGTITVRYA[Pro1828Arg]TEKGLHQMGI